The following is an entry in ClinVar:

ClinVar aggregate classification (germline): Uncertain significance (1 of 4 stars; one submission).

Submission:

Ambry Genetics
Classification: Uncertain significance. Last evaluated: 2026-08-08. Review status: criteria provided, single submitter. Criteria: Ambry Variant Classification Scheme 2023. Collection method: clinical testing. Allele origin: germline.
Comment: The p.T638S variant (also known as c.1912A>T), located in coding exon 19 of the SRP72 gene, results from an A to T substitution at nucleotide position 1912. The threonine at codon 638 is replaced by serine, an amino acid with similar properties. This amino acid position is conserved. In addition, this alteration is predicted to be tolerated by in silico analysis. Based on the available evidence, the clinical significance of this variant remains unclear.

NM_006947.4(SRP72):c.1912A>T (p.Thr638Ser)

Gene: SRP72 (signal recognition particle 72; plus strand). Cytogenetic location: 4q12.
Variant type: single nucleotide variant.
Coding change: c.1912A>T on transcript NM_006947.4 (MANE Select); coding-DNA position 1912, A replaced by T.
Protein change: p.Thr638Ser; replaces threonine 638 with serine.
Molecular consequence: missense variant. On other transcripts: non-coding transcript variant (1).
Genome position (GRCh38, 1-based): chr4:56,501,757, A>T. VCF-style: chr4-56501757-A-T. GRCh37 (hg19) VCF-style: chr4-57367923-A-T.
Other names: c.1729A>T, p.Thr577Ser (NM_001267722.2); short protein forms T577S, T638S.
Identifiers: ClinVar variation 5030245 (VCV005030245.1).